The following is an entry in ClinVar:

ClinVar aggregate classification (germline): Uncertain significance. Review status: criteria provided, multiple submitters, no conflicts (2 of 4 stars). 2 submissions from 2 submitters: Uncertain significance (2). Last evaluated 2022-09-23.

Conditions:
Dilated cardiomyopathy 1S (CMD1S). Identifiers: Orphanet 154, Orphanet 54260, MedGen C1834481, MONDO:0013262, OMIM 613426.
Hypertrophic cardiomyopathy 1 (CMH1). Also called: Familial hypertrophic cardiomyopathy 1; MYH7-Related Familial Hypertrophic Cardiomyopathy. Identifiers: MedGen C3495498, MONDO:0008647, OMIM 192600.
Congenital myopathy with fiber type disproportion. Also called: Congenital fiber-type disproportion; Congenital fiber-type disproportion myopathy. Identifiers: Orphanet 2020, MedGen C0546264, MONDO:0009711. Inheritance: all.
MYH7-related skeletal myopathy. Also called: Myopathy, distal, 1; MYOPATHY, DISTAL, EARLY-ONSET, AUTOSOMAL DOMINANT; MYOPATHY, LATE DISTAL HEREDITARY; Laing distal myopathy; Laing early-onset distal myopathy. Identifiers: Orphanet 59135, MedGen C4552004, MONDO:0008050, OMIM 160500.
Myopathy, myosin storage, autosomal recessive (CMYO7B). Also called: CONGENITAL MYOPATHY 7B, MYOSIN STORAGE, AUTOSOMAL RECESSIVE. Identifiers: Orphanet 636970, MedGen C1850709, MONDO:0009708, OMIM 255160.
Myosin storage myopathy (CMYO7A). Also called: Scapuloperoneal myopathy, MYH7-related; MYOPATHY WITH LYSIS OF TYPE I MYOFIBRILS; MYH7-related late-onset scapuloperoneal muscular dystrophy; Congenital myopathy 7A, myosin storage, autosomal dominant; MYOPATHY, HYALINE BODY, AUTOSOMAL DOMINANT; SCAPULOPERONEAL MUSCULAR DYSTROPHY. Identifiers: Orphanet 437572, Orphanet 636965, MedGen C1842160, MONDO:0008409, OMIM 608358.
MYH7-related disorder. Also called: MYH7-related condition; MYH7-related disease; MYH7-related disorders.
Hypertrophic cardiomyopathy. Also called: HYPERTROPHIC MYOCARDIOPATHY. Identifiers: Orphanet 217569, MedGen C0007194, MeSH D002312, MONDO:0005045, HP:0001639.

Allele frequency attached by ClinVar (database versions not stated): gnomAD exomes below 0.00001 and 0.00001; ExAC 0.00001.
gnomAD v4.1: 3 of 1,614,274 alleles (0.00019%); highest among the groups gnomAD compares: Non-Finnish European, 0.00025%; no homozygotes.

Submissions (2):

Labcorp Genetics (formerly Invitae), Labcorp
Classification: Uncertain significance for Hypertrophic cardiomyopathy. Last evaluated: 2022-09-23. Review status: criteria provided, single submitter. Criteria: Invitae Variant Classification Sherloc (09022015). Collection method: clinical testing. Allele origin: germline.
Comment: In summary, the available evidence is currently insufficient to determine the role of this variant in disease. Therefore, it has been classified as a Variant of Uncertain Significance. Advanced modeling of protein sequence and biophysical properties (such as structural, functional, and spatial information, amino acid conservation, physicochemical variation, residue mobility, and thermodynamic stability) performed at Invitae indicates that this missense variant is expected to disrupt MYH7 protein function. ClinVar contains an entry for this variant (Variation ID: 1003930). This variant has not been reported in the literature in individuals affected with MYH7-related conditions. This variant is present in population databases (rs775643803, gnomAD 0.0009%). This sequence change replaces alanine, which is neutral and non-polar, with threonine, which is neutral and polar, at codon 26 of the MYH7 protein (p.Ala26Thr).

Fulgent Genetics
Classification: Uncertain significance for MYH7-related skeletal myopathy; Myosin storage myopathy; Hypertrophic cardiomyopathy 1; Myopathy, myosin storage, autosomal recessive; Congenital myopathy 4A, autosomal dominant; Dilated cardiomyopathy 1S. Last evaluated: 2021-10-01. Review status: criteria provided, single submitter. Criteria: ACMG Guidelines, 2015. Collection method: clinical testing. Allele origin: unknown.

NM_000257.4(MYH7):c.76G>A (p.Ala26Thr)

Gene: MYH7 (myosin heavy chain 7; minus strand). Cytogenetic location: 14q11.2.
Variant type: single nucleotide variant.
Coding change: c.76G>A on transcript NM_000257.4 (MANE Select); coding-DNA position 76, G replaced by A.
Protein change: p.Ala26Thr; replaces alanine 26 with threonine.
Molecular consequence: missense variant.
Genome position (GRCh38, 1-based): chr14:23,433,657, C>T on the plus strand (G>A on the coding strand, the complement: MYH7 is on the minus strand). VCF-style: chr14-23433657-C-T. GRCh37 (hg19) VCF-style: chr14-23902866-C-T.
Other names: c.76G>A (NM_000257.3); short protein forms A26T.
Identifiers: ClinVar variation 1003930 (VCV001003930.10), dbSNP rs775643803, ClinGen allele CA049057.
Genomic context (GRCh38, chr14:23,433,657, plus strand): 5'-ACTCCTGTTTGTCATCAGGCACGAAGACATCCTTCTTGAGGTCAAAAGGCCTGGTCTGCG[C>T]TTCTAGCCGCTCCTTCTCTGACTTGCGCAGGTAGGGGGCGGCAGCCCCAAAGACTGCCAT-3'
Protein context (NP_000248.2, residues 16-36): LRKSEKERLE[Ala26Thr]QTRPFDLKKD